The following is an entry in ClinVar:

NM_001099922.3(ALG13):c.1305T>G (p.Asn435Lys)

Gene: ALG13 (ALG13 UDP-N-acetylglucosaminyltransferase subunit; plus strand). Cytogenetic location: Xq23.
Variant type: single nucleotide variant.
Coding change: c.1305T>G on transcript NM_001099922.3 (MANE Select); coding-DNA position 1305, T replaced by G.
Protein change: p.Asn435Lys; replaces asparagine 435 with lysine.
Molecular consequence: missense variant. On other transcripts: non-coding transcript variant (1).
Genome position (GRCh38, 1-based): chrX:111,720,149, T>G. VCF-style: chrX-111720149-T-G. GRCh37 (hg19) VCF-style: chrX-110963377-T-G.
Other names: c.993T>G, p.Asn331Lys (NM_001257230.2, NM_001257234.2, NM_001257237.2 and 1 more transcripts); c.1071T>G, p.Asn357Lys (NM_001257231.2); c.1305T>G, p.Asn435Lys (NM_001324292.2); short protein forms N331K, N357K, N435K.
Identifiers: ClinVar variation 958082 (VCV000958082.8), dbSNP rs1160640023, ClinGen allele CA414251358.

ClinVar aggregate classification (germline): Uncertain significance (1 of 4 stars; one submission).

Conditions:
Developmental and epileptic encephalopathy, 36 (DEE36). Also called: Epileptic encephalopathy, early infantile, 36; Congenital disorder of glycosylation, type Is; ALG13-CDG. Identifiers: Orphanet 324422, MedGen C4317295, MONDO:0010472, OMIM 300884.

Allele frequency attached by ClinVar (database versions not stated): gnomAD exomes below 0.00001 and 0.00001.
gnomAD v4.1: 1 of 1,187,298 alleles (0.000084%); highest among the groups gnomAD compares: Non-Finnish European, 0.00011%; no homozygotes.

Submission:

Labcorp Genetics (formerly Invitae), Labcorp
Classification: Uncertain significance for Developmental and epileptic encephalopathy, 36. Last evaluated: 2019-10-12. Review status: criteria provided, single submitter. Criteria: Invitae Variant Classification Sherloc (09022015). Collection method: clinical testing. Allele origin: germline.
Comment: This sequence change replaces asparagine with lysine at codon 435 of the ALG13 protein (p.Asn435Lys). The asparagine residue is weakly conserved and there is a moderate physicochemical difference between asparagine and lysine. In summary, the available evidence is currently insufficient to determine the role of this variant in disease. Therefore, it has been classified as a Variant of Uncertain Significance. Algorithms developed to predict the effect of missense changes on protein structure and function output the following: SIFT: "Tolerated"; PolyPhen-2: "Benign"; Align-GVGD: "Class C0". The lysine amino acid residue is found in multiple mammalian species, suggesting that this missense change does not adversely affect protein function. These predictions have not been confirmed by published functional studies and their clinical significance is uncertain. This variant has not been reported in the literature in individuals with ALG13-related conditions. This variant is not present in population databases (ExAC no frequency).